The following is an entry in ClinVar:

ClinVar aggregate classification (germline): Benign. Review status: criteria provided, multiple submitters, no conflicts (2 of 4 stars). 2 submissions from 2 submitters: Benign (2). Last evaluated 2026-02-04.

Allele frequency attached by ClinVar (database versions not stated): gnomAD exomes 0.13640 and 0.15012; 1000 Genomes Project 0.09445; ExAC 0.14708; 1000 Genomes Project 30x 0.09728; TOPMed 0.11588; ESP Exome Variant Server 0.11141; gnomAD 0.11312 and 0.11371.
gnomAD v4.1: 215,633 of 1,612,436 alleles (13%); highest among the groups gnomAD compares: Admixed American, 21%; 16,109 homozygotes.

Submissions (2):

Labcorp Genetics (formerly Invitae), Labcorp
Classification: Benign. Last evaluated: 2026-02-04. Review status: criteria provided, single submitter. Criteria: Invitae Variant Classification Sherloc (09022015). Collection method: clinical testing. Allele origin: germline.

GeneDx
Classification: Benign. Last evaluated: 2021-05-04. Review status: criteria provided, single submitter. Criteria: GeneDx Variant Classification Process June 2021. Collection method: clinical testing. Allele origin: germline. Affected: yes.
Comment: This variant is associated with the following publications: (PMID: 25629512)

NM_025257.3(SLC44A4):c.368A>T (p.Asp123Val)

Gene: SLC44A4 (solute carrier family 44 member 4; minus strand). Cytogenetic location: 6p21.33.
Variant type: single nucleotide variant.
Coding change: c.368A>T on transcript NM_025257.3 (MANE Select); coding-DNA position 368, A replaced by T.
Protein change: p.Asp123Val; replaces aspartic acid 123 with valine.
Molecular consequence: missense variant. On other transcripts: intron variant (1).
Genome position (GRCh38, 1-based): chr6:31,874,821, T>A on the plus strand (A>T on the coding strand, the complement: SLC44A4 is on the minus strand). VCF-style: chr6-31874821-T-A. GRCh37 (hg19) VCF-style: chr6-31842598-T-A.
Other names: c.140A>T, p.Asp47Val (NM_001178045.2); c.342+108A>T (NM_001178044.2); short protein forms D123V, D47V.
Identifiers: ClinVar variation 1266965 (VCV001266965.10), dbSNP rs12661281, ClinGen allele CA3725720.